The following is an entry in ClinVar:

NM_002085.5(GPX4):c.85-307C>T

Gene: GPX4 (glutathione peroxidase 4; plus strand). Cytogenetic location: 19p13.3.
Variant type: single nucleotide variant.
Coding change: c.85-307C>T on transcript NM_002085.5 (MANE Select); 307 bases into the intron before coding-DNA position 85, C replaced by T.
Molecular consequence: intron variant. On other transcripts: missense variant (1).
Genome position (GRCh38, 1-based): chr19:1,104,879, C>T. VCF-style: chr19-1104879-C-T. GRCh37 (hg19) VCF-style: chr19-1104878-C-T.
Other names: c.145C>T, p.Pro49Ser (NM_001039848.4); c.85-307C>T (NM_001039847.3); c.4-307C>T (NM_001367832.1); c.145C>T (NM_001039848.1); short protein forms P49S.
Identifiers: ClinVar variation 1482360 (VCV001482360.7), dbSNP rs771717955, ClinGen allele CA9037153.

ClinVar aggregate classification (germline): Uncertain significance. Review status: criteria provided, multiple submitters, no conflicts (2 of 4 stars). 2 submissions from 2 submitters: Uncertain significance (2). Last evaluated 2025-12-08.

Conditions:
Inborn genetic diseases. Identifiers: MedGen C0950123, MeSH D030342.

Allele frequency attached by ClinVar (database versions not stated): gnomAD 0.00003 and 0.00002; TOPMed 0.00003.

Submissions (2):

Ambry Genetics
Classification: Uncertain significance for Inborn genetic diseases. Last evaluated: 2025-12-08. Review status: criteria provided, single submitter. Criteria: Ambry Variant Classification Scheme 2023. Collection method: clinical testing. Allele origin: germline.

Labcorp Genetics (formerly Invitae), Labcorp
Classification: Uncertain significance. Last evaluated: 2022-08-05. Review status: criteria provided, single submitter. Criteria: Invitae Variant Classification Sherloc (09022015). Collection method: clinical testing. Allele origin: germline.
Comment: This sequence change replaces proline, which is neutral and non-polar, with serine, which is neutral and polar, at codon 49 of the GPX4 protein (p.Pro49Ser). This variant is present in population databases (rs771717955, gnomAD 0.08%). This variant has not been reported in the literature in individuals affected with GPX4-related conditions. ClinVar contains an entry for this variant (Variation ID: 1482360). Algorithms developed to predict the effect of missense changes on protein structure and function are either unavailable or do not agree on the potential impact of this missense change (SIFT: "Tolerated"; PolyPhen-2: "Not Available"; Align-GVGD: "Class C0"). In summary, the available evidence is currently insufficient to determine the role of this variant in disease. Therefore, it has been classified as a Variant of Uncertain Significance.